The following is an entry in ClinVar:

NM_133497.4(KCNV2):c.200G>A (p.Trp67Ter)

Gene: KCNV2 (potassium voltage-gated channel modifier subfamily V member 2; plus strand). Cytogenetic location: 9p24.2.
Variant type: single nucleotide variant.
Coding change: c.200G>A on transcript NM_133497.4 (MANE Select); coding-DNA position 200, G replaced by A.
Protein change: p.Trp67Ter; replaces tryptophan 67 with a stop codon.
Molecular consequence: nonsense.
Genome position (GRCh38, 1-based): chr9:2,717,939, G>A. VCF-style: chr9-2717939-G-A. GRCh37 (hg19) VCF-style: chr9-2717939-G-A.
Other names: short protein forms W67*.
Identifiers: ClinVar variation 3393544 (VCV003393544.3).

ClinVar aggregate classification (germline): Pathogenic. Review status: criteria provided, multiple submitters, no conflicts (2 of 4 stars). 3 submissions from 3 submitters: Pathogenic (3). Last evaluated 2025-10-21.

Conditions:
KCNV2-related disorder. Also called: KCNV2-related condition.

gnomAD v4.1: 37 of 1,613,912 alleles (0.0023%); highest among the groups gnomAD compares: Non-Finnish European, 0.0029%; no homozygotes.

Submissions (3):

Labcorp Genetics (formerly Invitae), Labcorp
Classification: Pathogenic. Last evaluated: 2025-10-21. Review status: criteria provided, single submitter. Criteria: Invitae Variant Classification Sherloc (09022015). Collection method: clinical testing. Allele origin: germline.
Comment: This sequence change creates a premature translational stop signal (p.Trp67*) in the KCNV2 gene. It is expected to result in an absent or disrupted protein product. Loss-of-function variants in KCNV2 are known to be pathogenic (PMID: 16909397, 18235024). This variant is present in population databases (no rsID available, gnomAD no frequency). This premature translational stop signal has been observed in individual(s) with KCNV2-related conditions (PMID: 33608557, 36284460). ClinVar contains an entry for this variant (Variation ID: 3393544). For these reasons, this variant has been classified as Pathogenic.

GeneDx
Classification: Pathogenic. Last evaluated: 2024-07-02. Review status: criteria provided, single submitter. Criteria: GeneDx Variant Classification Process June 2021. Collection method: clinical testing. Allele origin: germline. Affected: yes.
Comment: Nonsense variant predicted to result in protein truncation or nonsense mediated decay in a gene for which loss of function is a known mechanism of disease; Not observed at significant frequency in large population cohorts (gnomAD); This variant is associated with the following publications: (PMID: 36284460, 30877594, 33608557)

Blueprint Genetics
Classification: Pathogenic for KCNV2-related disorders. Last evaluated: 2021-06-18. Review status: criteria provided, single submitter. Criteria: ACMG Guidelines, 2015. Collection method: clinical testing. Allele origin: germline. Affected: yes. Observed: 1 variant allele.

Literature cited by the submitters: PubMed 16909397 (cited by Labcorp Genetics (formerly Invitae), Labcorp); PubMed 18235024 (cited by Labcorp Genetics (formerly Invitae), Labcorp); PubMed 33608557 (cited by Labcorp Genetics (formerly Invitae), Labcorp); PubMed 36284460 (cited by Labcorp Genetics (formerly Invitae), Labcorp).